The following is an entry in ClinVar:

NM_000444.6(PHEX):c.2092C>T (p.Pro698Ser)

Genes: PHEX (phosphate regulating endopeptidase X-linked; plus strand), PTCHD1-AS (PTCHD1 and PHEX antisense RNA; minus strand). Cytogenetic location: Xp22.11.
Variant type: single nucleotide variant.
Coding change: c.2092C>T on transcript NM_000444.6 (MANE Select); coding-DNA position 2092, C replaced by T.
Protein change: p.Pro698Ser; replaces proline 698 with serine.
Molecular consequence: missense variant. On other transcripts: intron variant (1).
Genome position (GRCh38, 1-based): chrX:22,245,354, C>T. VCF-style: chrX-22245354-C-T. GRCh37 (hg19) VCF-style: chrX-22263471-C-T.
Other names: c.2071-2497C>T (NM_001282754.2); short protein forms P698S.
Identifiers: ClinVar variation 3212052 (VCV003212052.2), dbSNP rs1472911206, ClinGen allele CA412575210.

ClinVar aggregate classification (germline): Uncertain significance. Review status: criteria provided, multiple submitters, no conflicts (2 of 4 stars). 2 submissions from 2 submitters: Uncertain significance (2). Last evaluated 2025-02-20.

Conditions:
Inborn genetic diseases. Identifiers: MedGen C0950123, MeSH D030342.

Allele frequency attached by ClinVar (database versions not stated): gnomAD exomes below 0.00001.
gnomAD v4.1: 3 of 1,208,237 alleles (0.00025%); highest among the groups gnomAD compares: East Asian, 0.0089%; no homozygotes.

Submissions (2):

Labcorp Genetics (formerly Invitae), Labcorp
Classification: Uncertain significance. Last evaluated: 2025-02-20. Review status: criteria provided, single submitter. Criteria: Invitae Variant Classification Sherloc (09022015). Collection method: clinical testing. Allele origin: germline.
Comment: This sequence change replaces proline, which is neutral and non-polar, with serine, which is neutral and polar, at codon 698 of the PHEX protein (p.Pro698Ser). This variant is present in population databases (no rsID available, gnomAD 0.02%), including at least one homozygous and/or hemizygous individual. This variant has not been reported in the literature in individuals affected with PHEX-related conditions. ClinVar contains an entry for this variant (Variation ID: 3212052). Invitae Evidence Modeling of protein sequence and biophysical properties (such as structural, functional, and spatial information, amino acid conservation, physicochemical variation, residue mobility, and thermodynamic stability) indicates that this missense variant is expected to disrupt PHEX protein function with a positive predictive value of 80%. In summary, the available evidence is currently insufficient to determine the role of this variant in disease. Therefore, it has been classified as a Variant of Uncertain Significance.

Ambry Genetics
Classification: Uncertain significance for Inborn genetic diseases. Last evaluated: 2024-01-31. Review status: criteria provided, single submitter. Criteria: Ambry Variant Classification Scheme 2023. Collection method: clinical testing. Allele origin: germline.